The following is an entry in ClinVar:

NM_003183.6(ADAM17):c.1975_1993+4del

Genes: ADAM17 (ADAM metallopeptidase domain 17; minus strand), IAH1 (isoamyl acetate hydrolyzing esterase 1 (putative); plus strand). Cytogenetic location: 2p25.1.
Variant type: Deletion.
Coding change: c.1975_1993+4del on transcript NM_003183.6 (MANE Select); coding-DNA position 1975 through 4 bases into the intron after coding-DNA position 1993, 23 bases deleted (CTGAGCATCAATACTTTTGGTAG).
Molecular consequence: splice donor variant.
Genome position (GRCh38, 1-based): chr2:9,493,743-9,493,765, CTACCAAAAGTATTGATGCTCAG deleted on the plus strand (CTGAGCATCAATACTTTTGGTAG on the coding strand, the reverse complement: ADAM17 is on the minus strand); deleting any 23 consecutive bases within chr2:9,493,743-9,493,767 gives the same sequence; the c. name uses the placement nearest the transcript's 3' end. VCF-style (leftmost placement, unchanged base first): chr2-9493742-CCTACCAAAAGTATTGATGCTCAG-C. GRCh37 (hg19) VCF-style: chr2-9633871-CCTACCAAAAGTATTGATGCTCAG-C.
Identifiers: ClinVar variation 852789 (VCV000852789.9), dbSNP rs1662343008, ClinGen allele CA916082515.
Genomic context (GRCh38, chr2:9,493,742, plus strand): 5'-ACTTTTCTAATGTCATCACAGAAATTGACTCAGCTCTCAGTAAGTAATCTGGGGAAATCA[CCTACCAAAAGTATTGATGCTCAG>C]CTGGTCAATGAAATCCCAAAATCGTTCAATTACATCCTGTACTCGTTTCTCACATTTGCC-3'

ClinVar aggregate classification (germline): Pathogenic (1 of 4 stars; one submission).

Conditions:
Inflammatory skin and bowel disease, neonatal, 1. Identifiers: Orphanet 294023, MedGen C3280501, MONDO:0013693, OMIM 614328.

Submission:

Labcorp Genetics (formerly Invitae), Labcorp
Classification: Pathogenic for Inflammatory skin and bowel disease, neonatal, 1. Last evaluated: 2019-01-28. Review status: criteria provided, single submitter. Criteria: Invitae Variant Classification Sherloc (09022015). Collection method: clinical testing. Allele origin: germline.
Comment: This variant deletes 19 nucleotides of coding sequence and 4 nucleotides in the consensus splice site at the exon 16 / intron 16 boundary. This is expected to create a premature translational stop signal (p.Leu659Glufs*4) in the ADAM17 gene and result in an absent or disrupted protein product. For these reasons, this variant has been classified as Pathogenic. Loss-of-function variants in ADAM17 are known to be pathogenic (PMID: 22010916, 25804906). This variant has not been reported in the literature in individuals with ADAM17-related conditions. This variant is not present in population databases (ExAC no frequency).

Literature cited by the submitters: PubMed 22010916; PubMed 25804906.